The following is an entry in ClinVar:

ClinVar aggregate classification (germline): Uncertain significance. Review status: criteria provided, multiple submitters, no conflicts (2 of 4 stars). 3 submissions from 3 submitters: Uncertain significance (3). Last evaluated 2026-09-16.

Conditions:
FOCAD-related disorder. Also called: FOCAD-related condition.
Inborn genetic diseases. Identifiers: MedGen C0950123, MeSH D030342.

Allele frequency attached by ClinVar (database versions not stated): ExAC 0.00035; gnomAD exomes 0.00040; ESP Exome Variant Server 0.00054; gnomAD 0.00025; TOPMed 0.00030.
gnomAD v4.1: 630 of 1,609,058 alleles (0.039%); highest among the groups gnomAD compares: Admixed American, 0.067%; 2 homozygotes.

Submissions (3):

PreventionGenetics, part of Exact Sciences
Classification: Uncertain significance for FOCAD-related condition. Last evaluated: 2026-09-16. Review status: criteria provided, single submitter. Criteria: ACMG Guidelines, 2015. Collection method: clinical testing. Allele origin: germline.
Comment: The FOCAD c.487C>A variant is predicted to result in the amino acid substitution p.Pro163Thr. To our knowledge, this variant has not been reported in the literature. This variant is reported in 0.069% of alleles in individuals of Latino descent in gnomAD, including two homozygous individuals of European (Non-Finnish) descent. This variant is interpreted as uncertain in ClinVar (Variation ID: 2385575). Although we suspect that this variant may be benign, at this time, the clinical significance of this variant is uncertain due to the absence of conclusive functional and genetic evidence.

Labcorp Genetics (formerly Invitae), Labcorp
Classification: Uncertain significance. Last evaluated: 2025-12-14. Review status: criteria provided, single submitter. Criteria: Invitae Variant Classification Sherloc (09022015). Collection method: clinical testing. Allele origin: germline.
Comment: This sequence change replaces proline, which is neutral and non-polar, with threonine, which is neutral and polar, at codon 163 of the FOCAD protein (p.Pro163Thr). This variant is present in population databases (rs141466501, gnomAD 0.07%), and has an allele count higher than expected for a pathogenic variant. This variant has not been reported in the literature in individuals affected with FOCAD-related conditions. ClinVar contains an entry for this variant (Variation ID: 2385575). Experimental studies and prediction algorithms are not available or were not evaluated, and the functional significance of this variant is currently unknown. In summary, the available evidence is currently insufficient to determine the role of this variant in disease. Therefore, it has been classified as a Variant of Uncertain Significance.

Ambry Genetics
Classification: Uncertain significance for Inborn genetic diseases. Last evaluated: 2024-07-30. Review status: criteria provided, single submitter. Criteria: Ambry Variant Classification Scheme 2023. Collection method: clinical testing. Allele origin: germline.

NM_001375567.1(FOCAD):c.487C>A (p.Pro163Thr)

Gene: FOCAD (focadhesin; plus strand). Cytogenetic location: 9p21.3.
Variant type: single nucleotide variant.
Coding change: c.487C>A on transcript NM_001375567.1 (MANE Select); coding-DNA position 487, C replaced by A.
Protein change: p.Pro163Thr; replaces proline 163 with threonine.
Molecular consequence: missense variant.
Genome position (GRCh38, 1-based): chr9:20,758,184, C>A. VCF-style: chr9-20758184-C-A. GRCh37 (hg19) VCF-style: chr9-20758183-C-A.
Other names: c.487C>A (NM_017794.4); c.487C>A, p.Pro163Thr (NM_001375568.1, NM_017794.5); c.382C>A, p.Pro128Thr (NM_001375570.1); short protein forms P128T, P163T.
Identifiers: ClinVar variation 2385575 (VCV002385575.9), dbSNP rs141466501, ClinGen allele CA5006360.